The following is an entry in ClinVar:

NM_000064.4(C3):c.2284G>A (p.Val762Ile)

Gene: C3 (complement C3; minus strand). Cytogenetic location: 19p13.3.
Variant type: single nucleotide variant.
Coding change: c.2284G>A on transcript NM_000064.4 (MANE Select); coding-DNA position 2284, G replaced by A.
Protein change: p.Val762Ile; replaces valine 762 with isoleucine.
Molecular consequence: missense variant.
Genome position (GRCh38, 1-based): chr19:6,702,541, C>T on the plus strand (G>A on the coding strand, the complement: C3 is on the minus strand). VCF-style: chr19-6702541-C-T. GRCh37 (hg19) VCF-style: chr19-6702552-C-T.
Other names: short protein forms V762I.
Identifiers: ClinVar variation 2749846 (VCV002749846.4), dbSNP rs768311850, ClinGen allele CA9129131.
Genomic context (GRCh38, chr19:6,702,541, plus strand): 5'-GTGGCTCTTTCAAGTCCTCAACGTTCCACAGCCAGCTCTCTGGGAACTCACTTCGGGAAA[C>T]GATGTTCTCTTCTGCAATGATGTCCTCATCCAGGTTACCTGCAGGGGGTTTAGATCTGCA-3'
Protein context (NP_000055.2, residues 752-772): DEDIIAEENI[Val762Ile]SRSEFPESWL

ClinVar aggregate classification (germline): Uncertain significance. Review status: criteria provided, multiple submitters, no conflicts (2 of 4 stars). 2 submissions from 2 submitters: Uncertain significance (2). Last evaluated 2025-09-30.

Conditions:
Atypical hemolytic-uremic syndrome. Identifiers: Orphanet 2134, MedGen C2931788, MONDO:0016244.
Complement component 3 deficiency. Identifiers: Orphanet 280133, MedGen C3151071, MONDO:0013417, OMIM 613779.
C3 glomerulonephritis. Also called: C3 GLOMERULOPATHY 3; Nephropathy due to CFHR5 Deficiency. Identifiers: Orphanet 329931, MedGen C4055342, MONDO:0013892, OMIM 614809.

Allele frequency attached by ClinVar (database versions not stated): gnomAD exomes 0.00001; ExAC 0.00002; gnomAD 0.00002; TOPMed 0.00002.

Submissions (2):

Genomenon, Inc
Classification: Uncertain significance for Complement component 3 deficiency; C3 glomerulonephritis; Atypical hemolytic-uremic syndrome. Last evaluated: 2025-09-30. Review status: criteria provided, single submitter. Criteria: Genomenon Sequence Variant Interpretation Standards. Collection method: curation. Allele origin: germline. Affected: no.
Comment: C3 p.Val762Ile (c.2284G>A) is a missense variant that changes the amino acid at residue 762 from Valine to Isoleucine. This variant has been reported in the published literature (PMID:20595690;30851964). It is absent or not present at a significant frequency in gnomAD. In conclusion, we classify C3 p.Val762Ile (c.2284G>A) as a variant of unknown significance.

Labcorp Genetics (formerly Invitae), Labcorp
Classification: Uncertain significance. Last evaluated: 2025-07-15. Review status: criteria provided, single submitter. Criteria: Invitae Variant Classification Sherloc (09022015). Collection method: clinical testing. Allele origin: germline.
Comment: This sequence change replaces valine, which is neutral and non-polar, with isoleucine, which is neutral and non-polar, at codon 762 of the C3 protein (p.Val762Ile). This variant is present in population databases (rs768311850, gnomAD 0.02%). This missense change has been observed in individual(s) with hemolytic uremic syndrome (PMID: 20595690). This variant is also known as V740I. ClinVar contains an entry for this variant (Variation ID: 2749846). Invitae Evidence Modeling of protein sequence and biophysical properties (such as structural, functional, and spatial information, amino acid conservation, physicochemical variation, residue mobility, and thermodynamic stability) indicates that this missense variant is not expected to disrupt C3 protein function with a negative predictive value of 80%. In summary, the available evidence is currently insufficient to determine the role of this variant in disease. Therefore, it has been classified as a Variant of Uncertain Significance.

Literature cited by the submitters: PubMed 20595690 (cited by Genomenon, Inc and Labcorp Genetics (formerly Invitae), Labcorp); PubMed 30851964 (cited by Genomenon, Inc).